The following is an entry in ClinVar:

NM_006734.4(HIVEP2):c.4248C>G (p.Gly1416=)

Gene: HIVEP2 (HIVEP zinc finger 2; minus strand). Cytogenetic location: 6q24.2.
Variant type: single nucleotide variant.
Coding change: c.4248C>G on transcript NM_006734.4 (MANE Select); coding-DNA position 4248, C replaced by G.
Protein change: p.Gly1416=; no amino-acid change (glycine 1416 retained).
Molecular consequence: synonymous variant.
Genome position (GRCh38, 1-based): chr6:142,770,491, G>C on the plus strand (C>G on the coding strand, the complement: HIVEP2 is on the minus strand). VCF-style: chr6-142770491-G-C. GRCh37 (hg19) VCF-style: chr6-143091628-G-C.
Identifiers: ClinVar variation 388663 (VCV000388663.1), dbSNP rs374359675, ClinGen allele CA16604859.

ClinVar aggregate classification (germline): Likely benign (1 of 4 stars; one submission).

gnomAD v4.1: 1 of 1,614,196 alleles (0.000062%); highest among the groups gnomAD compares: Non-Finnish European, 0.000085%; no homozygotes.

Submission:

GeneDx
Classification: Likely benign. Last evaluated: 2016-08-25. Review status: criteria provided, single submitter. Criteria: GeneDx Variant Classification (06012015). Collection method: clinical testing. Allele origin: germline. Affected: yes.
Comment: This variant is considered likely benign or benign based on one or more of the following criteria: it is a conservative change, it occurs at a poorly conserved position in the protein, it is predicted to be benign by multiple in silico algorithms, and/or has population frequency not consistent with disease.